The following is an entry in ClinVar:

NM_000168.6(GLI3):c.3894G>A (p.Pro1298=)

Gene: GLI3 (GLI family zinc finger 3; minus strand). Cytogenetic location: 7p14.1.
Variant type: single nucleotide variant.
Coding change: c.3894G>A on transcript NM_000168.6 (MANE Select); coding-DNA position 3894, G replaced by A.
Protein change: p.Pro1298=; no amino-acid change (proline 1298 retained).
Molecular consequence: synonymous variant.
Genome position (GRCh38, 1-based): chr7:41,965,179, C>T on the plus strand (G>A on the coding strand, the complement: GLI3 is on the minus strand). VCF-style: chr7-41965179-C-T. GRCh37 (hg19) VCF-style: chr7-42004777-C-T.
Identifiers: ClinVar variation 255439 (VCV000255439.18), dbSNP rs530418832, ClinGen allele CA4230231.
Genomic context (GRCh38, chr7:41,965,179, plus strand): 5'-CACTGGGTCCTGGTTCTGCATGCCATTCACCATGCTGCCAGCTGACTCATTTGGCGCTAC[C>T]GGCAGGCCGAAATTCAGCTGGCCCCCGCTCCCTTGCATGGGGGTGCTCTTCAGCTTTGAG-3'
Protein context (NP_000159.3, residues 1288-1308): GSGGQLNFGL[Pro1298=]VAPNESAGSM

ClinVar aggregate classification (germline): Benign/Likely benign. Review status: criteria provided, multiple submitters, no conflicts (2 of 4 stars). 6 submissions from 4 submitters: Benign (1); Likely benign (4). 1 of the submissions does not count toward it. Last evaluated 2024-10-02.

Conditions:
GLI3-related disorder. Also called: GLI3-related condition; GLI3-related disorders. Identifiers: MedGen CN239292.
Polydactyly. Also called: polydactylism. Identifiers: MedGen C0152427, MONDO:0021003, OMIM 603596, HP:0010442.
Greig cephalopolysyndactyly syndrome (GCPS). Also called: GLI3-Related Greig Cephalopolysyndactyly Syndrome; POLYSYNDACTYLY WITH PECULIAR SKULL SHAPE; Greig syndrome. Identifiers: Orphanet 380, MedGen C0265306, MONDO:0008287, OMIM 175700.
Pallister-Hall syndrome (PHS). Also called: HYPOTHALAMIC HAMARTOBLASTOMA, HYPOPITUITARISM, IMPERFORATE ANUS, AND POSTAXIAL POLYDACTYLY; GLI3-Related Pallister-Hall Syndrome. Identifiers: Orphanet 672, MedGen C0265220, MONDO:0007804, OMIM 146510.

Allele frequency attached by ClinVar (database versions not stated): gnomAD 0.00006 and 0.00019; TOPMed 0.00014; gnomAD exomes 0.00037 and 0.00074; 1000 Genomes Project 0.00060; 1000 Genomes Project 30x 0.00078; ExAC 0.00081.
gnomAD v4.1: 567 of 1,613,894 alleles (0.035%); highest among the groups gnomAD compares: South Asian, 0.55%; 5 homozygotes.

Submissions (6):

Blueprint Genetics
Classification: Likely benign. Last evaluated: 2024-10-02. Review status: criteria provided, single submitter. Criteria: ACMG Guidelines, 2015. Collection method: clinical testing. Allele origin: germline.

Labcorp Genetics (formerly Invitae), Labcorp
Classification: Benign for Pallister-Hall syndrome; Greig cephalopolysyndactyly syndrome. Last evaluated: 2022-12-06. Review status: criteria provided, single submitter. Criteria: Invitae Variant Classification Sherloc (09022015). Collection method: clinical testing. Allele origin: germline.

Illumina Laboratory Services, Illumina
Classification: Likely benign for Greig cephalopolysyndactyly syndrome. Last evaluated: 2017-04-27. Review status: criteria provided, single submitter. Criteria: ICSL Variant Classification Criteria 13 December 2019. Collection method: clinical testing. Allele origin: germline.
Comment: This variant was observed as part of a predisposition screen in an ostensibly healthy population. A literature search was performed for the gene, cDNA change, and amino acid change (where applicable). No publications were found based on this search. Allele frequency data from public databases allowed determination this variant is unlikely to cause disease. Therefore, this variant is classified as likely benign.

Illumina Laboratory Services, Illumina
Classification: Likely benign for Pallister-Hall syndrome. Last evaluated: 2017-04-27. Review status: criteria provided, single submitter. Criteria: ICSL Variant Classification Criteria 13 December 2019. Collection method: clinical testing. Allele origin: germline.
Comment: the same text as in the submission from Illumina Laboratory Services, Illumina above.

Illumina Laboratory Services, Illumina
Classification: Likely benign for Polydactyly. Last evaluated: 2017-04-27. Review status: criteria provided, single submitter. Criteria: ICSL Variant Classification Criteria 13 December 2019. Collection method: clinical testing. Allele origin: germline.
Comment: the same text as in the submission from Illumina Laboratory Services, Illumina above.

PreventionGenetics, part of Exact Sciences
Classification: Benign for GLI3-related condition. Last evaluated: 2023-01-09. Review status: no assertion criteria provided. Collection method: clinical testing. Allele origin: germline. Not counted in ClinVar's aggregate classification.
Comment: This variant is classified as benign based on ACMG/AMP sequence variant interpretation guidelines (Richards et al. 2015 PMID: 25741868, with internal and published modifications).